The following is an entry in ClinVar:

NM_001267550.2(TTN):c.54855G>A (p.Thr18285=)

Genes: TTN (titin; minus strand), TTN-AS1 (TTN antisense RNA 1; plus strand). Cytogenetic location: 2q31.2.
Variant type: single nucleotide variant.
Coding change: c.54855G>A on transcript NM_001267550.2 (MANE Select); coding-DNA position 54855, G replaced by A.
Protein change: p.Thr18285=; no amino-acid change (threonine 18285 retained).
Molecular consequence: synonymous variant.
Genome position (GRCh38, 1-based): chr2:178,602,547, C>T on the plus strand (G>A on the coding strand, the complement: TTN is on the minus strand). VCF-style: chr2-178602547-C-T. GRCh37 (hg19) VCF-style: chr2-179467274-C-T.
Other names: c.49932G>A, p.Thr16644= (NM_001256850.1); c.27660G>A, p.Thr9220= (NM_003319.4); c.47151G>A, p.Thr15717= (NM_133378.4); c.28035G>A, p.Thr9345= (NM_133432.3); c.28236G>A, p.Thr9412= (NM_133437.4).
Identifiers: ClinVar variation 263758 (VCV000263758.46), dbSNP rs200410212, ClinGen allele CA1993563.

ClinVar aggregate classification (germline): Conflicting classifications of pathogenicity. Review status: criteria provided, conflicting classifications (1 of 4 stars). 14 submissions from 10 submitters: Uncertain significance (4); Benign (2); Likely benign (6). 2 of the submissions do not count toward it. Last evaluated 2026-08-01.

Conditions:
TTN-related disorder. Also called: TTN-related disorders; TTN-related condition; TTN-related disease.
Cardiovascular phenotype. Identifiers: MedGen CN230736.
Dilated cardiomyopathy 1G (CMD1G). Identifiers: Orphanet 154, MedGen C1858763, MONDO:0011400, OMIM 604145.
Autosomal recessive limb-girdle muscular dystrophy type 2J (LGMDR10). Also called: MUSCULAR DYSTROPHY, LIMB-GIRDLE, AUTOSOMAL RECESSIVE 10; Limb-girdle muscular dystrophy, type 2J. Identifiers: Orphanet 140922, MedGen C1837342, MONDO:0012127, OMIM 608807.
Tibial muscular dystrophy (TMD). Also called: Udd Distal Myopathy – Tibial Muscular Dystrophy; UDD MYOPATHY; Tibial muscular dystrophy, tardive. Identifiers: Orphanet 609, MedGen C1838244, MONDO:0010870, OMIM 600334.
Early-onset myopathy with fatal cardiomyopathy (CMYO5). Also called: CONGENITAL MYOPATHY 5 WITH CARDIOMYOPATHY; Salih Myopathy. Identifiers: Orphanet 289377, MedGen C2673677, MONDO:0012714, OMIM 611705. Disease mechanism: loss of function.
Myopathy, myofibrillar, 9, with early respiratory failure (MFM9). Also called: EDSTROM MYOPATHY; Hereditary myopathy with early respiratory failure; MYOPATHY, PROXIMAL, WITH EARLY RESPIRATORY MUSCLE INVOLVEMENT; Myopathy, distal, with early respiratory failure, autosomal dominant. Identifiers: Orphanet 178464, Orphanet 34521, MedGen C1863599, MONDO:0011362, OMIM 603689.

Allele frequency attached by ClinVar (database versions not stated): gnomAD 0.00007 and 0.00008; gnomAD exomes 0.00007 and 0.00016; TOPMed 0.00007; ESP Exome Variant Server 0.00008; ExAC 0.00021.
gnomAD v4.1: 122 of 1,584,132 alleles (0.0077%); highest among the groups gnomAD compares: South Asian, 0.0092%; 1 homozygote.

Submissions (14):

CeGaT Center for Human Genetics Tuebingen
Classification: Likely benign. Last evaluated: 2026-08-01. Review status: criteria provided, single submitter. Criteria: CeGaT Center For Human Genetics Tuebingen Variant Classification Criteria Version 2. Collection method: clinical testing. Allele origin: germline. Affected: yes. Observed: 8 variant alleles.
Comment: TTN: BP4, BP7

Labcorp Genetics (formerly Invitae), Labcorp
Classification: Likely benign for Dilated cardiomyopathy 1G; Autosomal recessive limb-girdle muscular dystrophy type 2J. Last evaluated: 2026-01-28. Review status: criteria provided, single submitter. Criteria: Invitae Variant Classification Sherloc (09022015). Collection method: clinical testing. Allele origin: germline.

Women's Health and Genetics/Laboratory Corporation of America, LabCorp
Classification: Likely benign. Last evaluated: 2025-11-19. Review status: criteria provided, single submitter. Criteria: LabCorp Variant Classification Summary - May 2015. Collection method: clinical testing. Allele origin: germline.

PreventionGenetics, part of Exact Sciences
Classification: Likely benign for TTN-related condition. Last evaluated: 2025-07-30. Review status: criteria provided, single submitter. Criteria: ACMG Guidelines, 2015. Collection method: clinical testing. Allele origin: germline.
Comment: This variant is classified as likely benign based on ACMG/AMP sequence variant interpretation guidelines (Richards et al. 2015 PMID: 25741868, with internal and published modifications).

GeneDx
Classification: Likely benign. Last evaluated: 2021-04-23. Review status: criteria provided, single submitter. Criteria: GeneDx Variant Classification Process June 2021. Collection method: clinical testing. Allele origin: germline. Affected: yes.

Illumina Laboratory Services, Illumina
Classification: Uncertain significance for Autosomal recessive limb-girdle muscular dystrophy type 2J. Last evaluated: 2018-01-12. Review status: criteria provided, single submitter. Criteria: ICSL Variant Classification Criteria 13 December 2019. Collection method: clinical testing. Allele origin: germline.

Illumina Laboratory Services, Illumina
Classification: Uncertain significance for Early-onset myopathy with fatal cardiomyopathy. Last evaluated: 2018-01-12. Review status: criteria provided, single submitter. Criteria: ICSL Variant Classification Criteria 13 December 2019. Collection method: clinical testing. Allele origin: germline.

Illumina Laboratory Services, Illumina
Classification: Uncertain significance for Dilated cardiomyopathy 1G. Last evaluated: 2018-01-12. Review status: criteria provided, single submitter. Criteria: ICSL Variant Classification Criteria 13 December 2019. Collection method: clinical testing. Allele origin: germline.

Illumina Laboratory Services, Illumina
Classification: Benign for Tibial muscular dystrophy. Last evaluated: 2018-01-12. Review status: criteria provided, single submitter. Criteria: ICSL Variant Classification Criteria 13 December 2019. Collection method: clinical testing. Allele origin: germline.
Comment: This variant was observed in the ICSL laboratory as part of a predisposition screen in an ostensibly healthy population. It had not been previously curated by ICSL or reported in the Human Gene Mutation Database (HGMD: prior to June 1st, 2018), and was therefore a candidate for classification through an automated scoring system. Utilizing variant allele frequency, disease prevalence and penetrance estimates, and inheritance mode, an automated score was calculated to assess if this variant is too frequent to cause the disease. Based on the score and internal cut-off values, a variant classified as benign is not then subjected to further curation. The score for this variant resulted in a classification of benign for this disease.

Illumina Laboratory Services, Illumina
Classification: Benign for Myopathy, myofibrillar, 9, with early respiratory failure. Last evaluated: 2018-01-12. Review status: criteria provided, single submitter. Criteria: ICSL Variant Classification Criteria 13 December 2019. Collection method: clinical testing. Allele origin: germline.
Comment: the same text as in the submission from Illumina Laboratory Services, Illumina above.

Eurofins Ntd Llc (ga)
Classification: Uncertain significance. Last evaluated: 2017-10-27. Review status: criteria provided, single submitter. Criteria: EGL Classification Definitions 2015. Collection method: clinical testing. Allele origin: germline. Observed: 1 variant allele, 1 heterozygote.

Ambry Genetics
Classification: Likely benign for Cardiovascular phenotype. Last evaluated: 2013-10-30. Review status: criteria provided, single submitter. Criteria: Ambry Autosomal Dominant and X-Linked criteria (10/2015). Collection method: clinical testing. Allele origin: germline. Observed: 1 variant allele.

Clinical Genetics, Academic Medical Center
Classification: Benign. Review status: no assertion criteria provided. Collection method: clinical testing. Allele origin: germline. Affected: yes. Study: VKGL Data-share Consensus. Not counted in ClinVar's aggregate classification.

Diagnostic Laboratory, Department of Genetics, University Medical Center Groningen
Classification: Likely benign. Review status: no assertion criteria provided. Collection method: clinical testing. Allele origin: germline. Affected: yes. Study: VKGL Data-share Consensus. Not counted in ClinVar's aggregate classification.